The following is an entry in ClinVar:

ClinVar aggregate classification (germline): Uncertain significance (1 of 4 stars; one submission).

Submission:

Labcorp Genetics (formerly Invitae), Labcorp
Classification: Uncertain significance. Last evaluated: 2024-07-11. Review status: criteria provided, single submitter. Criteria: Invitae Variant Classification Sherloc (09022015). Collection method: clinical testing. Allele origin: germline.
Comment: This sequence change replaces serine, which is neutral and polar, with asparagine, which is neutral and polar, at codon 237 of the BMPER protein (p.Ser237Asn). This variant is not present in population databases (gnomAD no frequency). This variant has not been reported in the literature in individuals affected with BMPER-related conditions. Advanced modeling of protein sequence and biophysical properties (such as structural, functional, and spatial information, amino acid conservation, physicochemical variation, residue mobility, and thermodynamic stability) performed at Invitae indicates that this missense variant is not expected to disrupt BMPER protein function with a negative predictive value of 80%. In summary, the available evidence is currently insufficient to determine the role of this variant in disease. Therefore, it has been classified as a Variant of Uncertain Significance.

NM_001365308.1(BMPER):c.710G>A (p.Ser237Asn)

Gene: BMPER (BMP binding endothelial regulator; plus strand). Cytogenetic location: 7p14.3.
Variant type: single nucleotide variant.
Coding change: c.710G>A on transcript NM_001365308.1 (MANE Select); coding-DNA position 710, G replaced by A.
Protein change: p.Ser237Asn; replaces serine 237 with asparagine.
Molecular consequence: missense variant.
Genome position (GRCh38, 1-based): chr7:34,051,894, G>A. VCF-style: chr7-34051894-G-A. GRCh37 (hg19) VCF-style: chr7-34091506-G-A.
Other names: c.710G>A, p.Ser237Asn (NM_001410872.1, NM_133468.5); short protein forms S237N.
Identifiers: ClinVar variation 3698468 (VCV003698468.2).